The following is an entry in ClinVar:

NM_000053.4(ATP7B):c.2866-15_2866-14del

Gene: ATP7B (ATPase copper transporting beta; minus strand). Cytogenetic location: 13q14.3.
Variant type: Microsatellite.
Coding change: c.2866-15_2866-14del on transcript NM_000053.4 (MANE Select); 15 bases into the intron before coding-DNA position 2866 through 14 bases into the intron before coding-DNA position 2866, 2 bases deleted (CT; older notation c.2866-15_2866-14delCT).
Molecular consequence: intron variant.
Genome position (GRCh38, 1-based): chr13:51,946,492-51,946,493, AG deleted on the plus strand (CT on the coding strand, the reverse complement: ATP7B is on the minus strand); deleting any 2 consecutive bases within chr13:51,946,492-51,946,495 gives the same sequence; the c. name uses the placement nearest the transcript's 3' end. VCF-style (leftmost placement, unchanged base first): chr13-51946491-CAG-C. GRCh37 (hg19) VCF-style: chr13-52520627-CAG-C.
Other names: c.2533-15_2533-14del (NM_001243182.2); c.2245-15_2245-14del (NM_001005918.3); c.2614-15_2614-14del (NM_001330579.2); c.2632-15_2632-14del (NM_001330578.2).
Identifiers: ClinVar variation 1963653 (VCV001963653.6), dbSNP rs765377141, ClinGen allele CA6988879.

ClinVar aggregate classification (germline): Conflicting classifications of pathogenicity. Review status: criteria provided, conflicting classifications (1 of 4 stars). 2 submissions from 2 submitters: Uncertain significance (1); Likely benign (1). Last evaluated 2024-02-16.

Conditions:
Wilson disease (WND). Also called: Wilson's disease. Identifiers: Orphanet 905, MedGen C0019202, MONDO:0010200, OMIM 277900. Disease mechanism: loss of function.

Submissions (2):

Labcorp Genetics (formerly Invitae), Labcorp
Classification: Likely benign for Wilson disease. Last evaluated: 2024-02-16. Review status: criteria provided, single submitter. Criteria: Invitae Variant Classification Sherloc (09022015). Collection method: clinical testing. Allele origin: germline.

Color Diagnostics, LLC DBA Color Health
Classification: Uncertain significance for Wilson disease. Last evaluated: 2022-09-23. Review status: criteria provided, single submitter. Criteria: ACMG Guidelines, 2015. Collection method: clinical testing. Allele origin: germline.
Comment: This variant causes the deletion of 2 nucleotides in intron 12 of the ATP7B gene. To our knowledge, functional studies have not been reported for this variant. This variant has not been reported in individuals affected with Wilson disease in the literature. This variant has been identified in 2/280250 chromosomes in the general population by the Genome Aggregation Database (gnomAD). The available evidence is insufficient to determine the role of this variant in disease conclusively. Therefore, this variant is classified as a Variant of Uncertain Significance.